The following is an entry in ClinVar:

ClinVar aggregate classification (germline): Uncertain significance. Review status: criteria provided, multiple submitters, no conflicts (2 of 4 stars). 4 submissions from 4 submitters: Uncertain significance (4). Last evaluated 2026-06-09.

Conditions:
Inborn genetic diseases. Identifiers: MedGen C0950123, MeSH D030342.
Very long chain acyl-CoA dehydrogenase deficiency (ACADVLD). Also called: Very Long-Chain Acyl-Coenzyme A Dehydrogenase Deficiency; VLCAD Deficiency. Identifiers: Orphanet 26793, MedGen C3887523, MONDO:0008723, OMIM 201475.

Allele frequency attached by ClinVar (database versions not stated): gnomAD exomes below 0.00001.
gnomAD v4.1: 6 of 1,538,720 alleles (0.00039%); highest among the groups gnomAD compares: Non-Finnish European, 0.00052%; no homozygotes.

Submissions (4):

Ambry Genetics
Classification: Uncertain significance for Inborn genetic diseases. Last evaluated: 2026-06-09. Review status: criteria provided, single submitter. Criteria: Ambry Variant Classification Scheme 2023. Collection method: clinical testing. Allele origin: germline.
Comment: The p.A36V variant (also known as c.107C>T), located in coding exon 2 of the ACADVL gene, results from a C to T substitution at nucleotide position 107. The alanine at codon 36 is replaced by valine, an amino acid with similar properties. This amino acid position is conserved. In addition, the in silico prediction for this alteration is inconclusive. Based on the available evidence, the clinical significance of this variant remains unclear.

Mayo Clinic Laboratories, Mayo Clinic
Classification: Uncertain significance. Last evaluated: 2024-07-19. Review status: criteria provided, single submitter. Criteria: ACMG Guidelines, 2015. Collection method: clinical testing. Allele origin: germline. Observed: 1 variant allele.
Comment: PM1, PM2

Labcorp Genetics (formerly Invitae), Labcorp
Classification: Uncertain significance for Very long chain acyl-CoA dehydrogenase deficiency. Last evaluated: 2022-05-29. Review status: criteria provided, single submitter. Criteria: Invitae Variant Classification Sherloc (09022015). Collection method: clinical testing. Allele origin: germline.
Comment: This sequence change replaces alanine, which is neutral and non-polar, with valine, which is neutral and non-polar, at codon 36 of the ACADVL protein (p.Ala36Val). The frequency data for this variant in the population databases is considered unreliable, as metrics indicate poor data quality at this position in the gnomAD database. This variant has not been reported in the literature in individuals affected with ACADVL-related conditions. ClinVar contains an entry for this variant (Variation ID: 932738). Algorithms developed to predict the effect of missense changes on protein structure and function are either unavailable or do not agree on the potential impact of this missense change (SIFT: "Tolerated"; PolyPhen-2: "Not Available"; Align-GVGD: "Class C0"). In summary, the available evidence is currently insufficient to determine the role of this variant in disease. Therefore, it has been classified as a Variant of Uncertain Significance.

Wong Mito Lab, Molecular and Human Genetics, Baylor College of Medicine
Classification: Uncertain significance for Very long chain acyl-CoA dehydrogenase deficiency. Last evaluated: 2019-11-01. Review status: criteria provided, single submitter. Criteria: ACMG Guidelines, 2015. Collection method: clinical testing. Allele origin: germline.
Comment: The NM_000018.3:c.107C>T (NP_000009.1:p.Ala36Val) [GRCH38: NC_000017.11:g.7220166C>T] variant in ACADVL gene is interpretated to be Uncertain Significance based on ACMG guidelines (PMID: 25741868). This variant has been reported. This variant meets the following evidence codes reported in the ACMG guidelines: PM1

NM_000018.4(ACADVL):c.107C>T (p.Ala36Val)

Genes: ACADVL (acyl-CoA dehydrogenase very long chain; plus strand), LOC130060113 (ATAC-STARR-seq lymphoblastoid silent region 8088; plus strand). Cytogenetic location: 17p13.1.
Variant type: single nucleotide variant.
Coding change: c.107C>T on transcript NM_000018.4 (MANE Select); coding-DNA position 107, C replaced by T.
Protein change: p.Ala36Val; replaces alanine 36 with valine.
Molecular consequence: missense variant. On other transcripts: 5 prime UTR variant (1).
Genome position (GRCh38, 1-based): chr17:7,220,166, C>T. VCF-style: chr17-7220166-C-T. GRCh37 (hg19) VCF-style: chr17-7123485-C-T.
Other names: p.Ala36Val; c.107C>T, p.Ala36Val (NM_001033859.3); c.176C>T, p.Ala59Val (NM_001270447.2); c.-122C>T (NM_001270448.2); c.107C>T (NM_000018.2); short protein forms A36V, A59V.
Identifiers: ClinVar variation 932738 (VCV000932738.7), dbSNP rs1165915680, ClinGen allele CA397722104.